The following is an entry in ClinVar:

NM_002660.3(PLCG1):c.3341T>C (p.Ile1114Thr)

Gene: PLCG1 (phospholipase C gamma 1; plus strand). Cytogenetic location: 20q12.
Variant type: single nucleotide variant.
Coding change: c.3341T>C on transcript NM_002660.3 (MANE Select); coding-DNA position 3341, T replaced by C.
Protein change: p.Ile1114Thr; replaces isoleucine 1114 with threonine.
Molecular consequence: missense variant.
Genome position (GRCh38, 1-based): chr20:41,173,481, T>C. VCF-style: chr20-41173481-T-C. GRCh37 (hg19) VCF-style: chr20-39802121-T-C.
Other names: c.3341T>C, p.Ile1114Thr (NM_182811.2); short protein forms I1114T.
Identifiers: ClinVar variation 4983354 (VCV004983354.1).

ClinVar aggregate classification (germline): Likely benign (1 of 4 stars; one submission).

Conditions:
PLCG1-related disorder. Also called: PLCG1-related condition.

gnomAD v4.1: 596 of 1,613,564 alleles (0.037%); highest among the groups gnomAD compares: South Asian, 0.46%; 8 homozygotes.

Submission:

PreventionGenetics, part of Exact Sciences
Classification: Likely benign for PLCG1-related condition. Last evaluated: 2025-04-17. Review status: criteria provided, single submitter. Criteria: ACMG Guidelines, 2015. Collection method: clinical testing. Allele origin: germline.
Comment: This variant is classified as likely benign based on ACMG/AMP sequence variant interpretation guidelines (Richards et al. 2015 PMID: 25741868, with internal and published modifications).